The following is an entry in ClinVar:

ClinVar aggregate classification (germline): Uncertain significance (1 of 4 stars; one submission).

Submission:

Ambry Genetics
Classification: Uncertain significance. Last evaluated: 2025-12-24. Review status: criteria provided, single submitter. Criteria: Ambry Variant Classification Scheme 2023. Collection method: clinical testing. Allele origin: germline.
Comment: The p.L1467R variant (also known as c.4400T>G), located in coding exon 40 of the KIF1B gene, results from a T to G substitution at nucleotide position 4400. The leucine at codon 1467 is replaced by arginine, an amino acid with dissimilar properties. This amino acid position is conserved. In addition, this alteration is predicted to be deleterious by in silico analysis. Based on the available evidence, the clinical significance of this variant remains unclear.

NM_001365951.3(KIF1B):c.4538T>G (p.Leu1513Arg)

Gene: KIF1B (kinesin family member 1B; plus strand). Cytogenetic location: 1p36.22.
Variant type: single nucleotide variant.
Coding change: c.4538T>G on transcript NM_001365951.3 (MANE Select); coding-DNA position 4538, T replaced by G.
Protein change: p.Leu1513Arg; replaces leucine 1513 with arginine.
Molecular consequence: missense variant.
Genome position (GRCh38, 1-based): chr1:10,365,434, T>G. VCF-style: chr1-10365434-T-G. GRCh37 (hg19) VCF-style: chr1-10425492-T-G.
Other names: c.4538T>G, p.Leu1513Arg (NM_001365952.1); c.4400T>G, p.Leu1467Arg (NM_015074.3); short protein forms L1467R, L1513R.
Identifiers: ClinVar variation 4844607 (VCV004844607.1).